The following continues an entry in ClinVar:

NM_206933.4(USH2A):c.5012G>A (p.Gly1671Asp)

ClinVar aggregate classification (germline): Pathogenic. Pathogenic (1).

Submissions 12 to 17 of 17:

SN ONGC Dept of Genetics and Molecular biology Vision Research Foundation
Classification: Likely pathogenic for Usher syndrome. Last evaluated: 2022-12-31. Review status: criteria provided, single submitter. Criteria: ACMG Guidelines, 2015. Collection method: research. Allele origin: unknown. Affected: yes. Observed: 2 variant alleles, 2 compound heterozygotes. Not counted in ClinVar's aggregate classification.

Women's Health and Genetics/Laboratory Corporation of America, LabCorp
Classification: Likely pathogenic for Usher syndrome. Last evaluated: 2022-07-21. Review status: criteria provided, single submitter. Criteria: LabCorp Variant Classification Summary - May 2015. Collection method: clinical testing. Allele origin: germline. Not counted in ClinVar's aggregate classification.
Comment: Variant summary: USH2A c.5012G>A (p.Gly1671Asp) results in a non-conservative amino acid change located in the Laminin G domain (IPR001791) of the encoded protein sequence. Five of five in-silico tools predict a damaging effect of the variant on protein function. The variant allele was found at a frequency of 4.8e-05 in 250622 control chromosomes (gnomAD). This frequency is not significantly higher than expected for a pathogenic variant in USH2A causing Usher Syndrome (4.8e-05 vs 0.011), allowing no conclusion about variant significance. c.5012G>A has been reported in the literature in compound heterozygous and homozygous individuals affected with retinitis pigmentosa (Ge_2015, Carss_2017, Sharon_2020, Yohe_2019, Molina-Ramirez_2020, Yu_2020, Turro_2020, Sheck_2021). These data indicate that the variant is likely to be associated with disease. To our knowledge, no experimental evidence demonstrating an impact on protein function has been reported. Five ClinVar submitters (evaluation after 2014) cite the variant as uncertain significance (n=2) and likely pathogenic (n=3), including one expert panel (ClinGen Hearing Loss Variant Curation Expert Panel) classified this variant as uncertain significance. Based on the evidence outlined above, the variant was classified as likely pathogenic.

Eurofins Ntd Llc (ga)
Classification: Uncertain significance. Last evaluated: 2015-11-12. Review status: criteria provided, single submitter. Criteria: EGL Classification Definitions 2015. Collection method: clinical testing. Allele origin: germline. Observed: 1 variant allele, 1 homozygote. Not counted in ClinVar's aggregate classification.

Laboratory for Molecular Medicine, Mass General Brigham Personalized Medicine
Classification: Uncertain significance. Last evaluated: 2014-08-08. Review status: criteria provided, single submitter. Criteria: LMM Criteria. Collection method: clinical testing. Allele origin: germline. Observed: 1 variant allele. Not counted in ClinVar's aggregate classification.
Comment: This variant has not been identified in la rge population databases; however, there is insufficient data to assess the freq uency of this variant in Indian control populations. Computational prediction t ools and conservation analyses suggest that the Gly1671Asp variant may impact th e protein, though this information is not predictive enough to determine pathoge nicity. In summary, the clinical significance of the Gly1671Asp variant is uncer tain.

Gen-Eye Clinic, Grow Research Laboratory, Narayana Nethralaya
Classification: Uncertain significance for Retinitis pigmentosa. Last evaluated: 2023-10-05. Review status: no assertion criteria provided. Collection method: clinical testing. Allele origin: germline. Affected: yes. Not counted in ClinVar's aggregate classification.

NIHR Bioresource Rare Diseases, University of Cambridge
Classification: Likely pathogenic for Retinitis pigmentosa. Last evaluated: 2015-01-01. Review status: no assertion criteria provided. Collection method: research. Allele origin: unknown. Affected: yes. Observed: 2 variant alleles. Not counted in ClinVar's aggregate classification.

Literature cited by the submitters: PubMed 26667666 (cited by 5 submitters); PubMed 28041643 (cited by 4 submitters); PubMed 32581362 (cited by 3 submitters); PubMed 33749171 (cited by Natera, Inc. and Women's Health and Genetics/Laboratory Corporation of America, LabCorp); PubMed 31816670 (cited by 3 submitters); PubMed 32340307 (cited by Myriad Genetics, Inc.); PubMed 31456290 (cited by Women's Health and Genetics/Laboratory Corporation of America, LabCorp); PubMed 32176120 (cited by Women's Health and Genetics/Laboratory Corporation of America, LabCorp); PubMed 32637036 (cited by Women's Health and Genetics/Laboratory Corporation of America, LabCorp); PubMed 22135276 (cited by Laboratory for Molecular Medicine, Mass General Brigham Personalized Medicine).